The following is an entry in ClinVar:

NM_014780.5(CUL7):c.4323C>T (p.Gly1441=)

Gene: CUL7 (cullin 7; minus strand). Cytogenetic location: 6p21.1.
Variant type: single nucleotide variant.
Coding change: c.4323C>T on transcript NM_014780.5 (MANE Select); coding-DNA position 4323, C replaced by T.
Protein change: p.Gly1441=; no amino-acid change (glycine 1441 retained).
Molecular consequence: synonymous variant.
Genome position (GRCh38, 1-based): chr6:43,038,959, G>A on the plus strand (C>T on the coding strand, the complement: CUL7 is on the minus strand). VCF-style: chr6-43038959-G-A. GRCh37 (hg19) VCF-style: chr6-43006697-G-A.
Other names: c.4419C>T, p.Gly1473= (NM_001168370.2, NM_001374872.1); c.4323C>T, p.Gly1441= (NM_001374873.1); c.4320C>T, p.Gly1440= (NM_001374874.1).
Identifiers: ClinVar variation 356825 (VCV000356825.16), dbSNP rs148472550, ClinGen allele CA3813236.

ClinVar aggregate classification (germline): Benign. Review status: criteria provided, multiple submitters, no conflicts (2 of 4 stars). 3 submissions from 3 submitters: Benign (3). Last evaluated 2026-05-13.

Conditions:
3M syndrome 1. Also called: 3-M Syndrome, CUL7-Related. Identifiers: Orphanet 2616, MedGen C2678312, MONDO:0010117, OMIM 273750.

Allele frequency attached by ClinVar (database versions not stated): gnomAD 0.00066 and 0.00090; gnomAD exomes 0.00055 and 0.00169; TOPMed 0.00093; 1000 Genomes Project 0.00479; ExAC 0.00165; 1000 Genomes Project 30x 0.00422.
gnomAD v4.1: 959 of 1,612,824 alleles (0.059%); highest among the groups gnomAD compares: East Asian, 2%; 14 homozygotes.

Submissions (3):

Women's Health and Genetics/Laboratory Corporation of America, LabCorp
Classification: Benign. Last evaluated: 2026-05-13. Review status: criteria provided, single submitter. Criteria: LabCorp Variant Classification Summary - May 2015. Collection method: clinical testing. Allele origin: germline.

Labcorp Genetics (formerly Invitae), Labcorp
Classification: Benign. Last evaluated: 2026-01-26. Review status: criteria provided, single submitter. Criteria: Invitae Variant Classification Sherloc (09022015). Collection method: clinical testing. Allele origin: germline.

Illumina Laboratory Services, Illumina
Classification: Benign for 3M syndrome 1. Last evaluated: 2018-01-13. Review status: criteria provided, single submitter. Criteria: ICSL Variant Classification Criteria 13 December 2019. Collection method: clinical testing. Allele origin: germline.
Comment: This variant was observed in the ICSL laboratory as part of a predisposition screen in an ostensibly healthy population. It had not been previously curated by ICSL or reported in the Human Gene Mutation Database (HGMD: prior to June 1st, 2018), and was therefore a candidate for classification through an automated scoring system. Utilizing variant allele frequency, disease prevalence and penetrance estimates, and inheritance mode, an automated score was calculated to assess if this variant is too frequent to cause the disease. Based on the score and internal cut-off values, a variant classified as benign is not then subjected to further curation. The score for this variant resulted in a classification of benign for this disease.